The following is an entry in ClinVar:

ClinVar aggregate classification (germline): Uncertain significance (1 of 4 stars; one submission).

Submission:

GeneDx
Classification: Uncertain significance. Last evaluated: 2026-01-25. Review status: criteria provided, single submitter. Criteria: GeneDx Variant Classification Process June 2021. Collection method: clinical testing. Allele origin: germline.
Comment: Not observed at significant frequency in large population cohorts (gnomAD); In silico analysis supports that this missense variant has a deleterious effect on protein structure/function; Has not been previously published as pathogenic or benign to our knowledge.

NM_004859.4(CLTC):c.2044T>G (p.Cys682Gly)

Gene: CLTC (clathrin heavy chain; plus strand). Cytogenetic location: 17q23.1.
Variant type: single nucleotide variant.
Coding change: c.2044T>G on transcript NM_004859.4 (MANE Select); coding-DNA position 2044, T replaced by G.
Protein change: p.Cys682Gly; replaces cysteine 682 with glycine.
Molecular consequence: missense variant.
Genome position (GRCh38, 1-based): chr17:59,666,893, T>G. VCF-style: chr17-59666893-T-G. GRCh37 (hg19) VCF-style: chr17-57744254-T-G.
Other names: c.2056T>G, p.Cys686Gly (NM_001288653.2); short protein forms C682G, C686G.
Identifiers: ClinVar variation 4975635 (VCV004975635.1).